The following is an entry in ClinVar:

NM_001384732.1(CPLANE1):c.1906A>G (p.Ile636Val)

Gene: CPLANE1 (ciliogenesis and planar polarity effector complex subunit 1; minus strand). Cytogenetic location: 5p13.2.
Variant type: single nucleotide variant.
Coding change: c.1906A>G on transcript NM_001384732.1 (MANE Select); coding-DNA position 1906, A replaced by G.
Protein change: p.Ile636Val; replaces isoleucine 636 with valine.
Molecular consequence: missense variant.
Genome position (GRCh38, 1-based): chr5:37,226,689, T>C on the plus strand (A>G on the coding strand, the complement: CPLANE1 is on the minus strand). VCF-style: chr5-37226689-T-C. GRCh37 (hg19) VCF-style: chr5-37226791-T-C.
Other names: c.1906A>G, p.Ile636Val (NM_023073.4); short protein forms I636V.
Identifiers: ClinVar variation 1482739 (VCV001482739.5), dbSNP rs907512434, ClinGen allele CA117057579.

ClinVar aggregate classification (germline): Uncertain significance (1 of 4 stars; one submission).

Allele frequency attached by ClinVar (database versions not stated): gnomAD exomes 0.00001.
gnomAD v4.1: 9 of 1,550,914 alleles (0.00058%); highest among the groups gnomAD compares: Non-Finnish European, 0.00078%; no homozygotes.

Submission:

Labcorp Genetics (formerly Invitae), Labcorp
Classification: Uncertain significance. Last evaluated: 2021-09-24. Review status: criteria provided, single submitter. Criteria: Invitae Variant Classification Sherloc (09022015). Collection method: clinical testing. Allele origin: germline.
Comment: This sequence change replaces isoleucine with valine at codon 636 of the CPLANE1 protein (p.Ile636Val). The isoleucine residue is weakly conserved and there is a small physicochemical difference between isoleucine and valine. This variant is not present in population databases (ExAC no frequency). This variant has not been reported in the literature in individuals with CPLANE1-related conditions. Advanced modeling of protein sequence and biophysical properties (such as structural, functional, and spatial information, amino acid conservation, physicochemical variation, residue mobility, and thermodynamic stability) performed at Invitae indicates that this missense variant is not expected to disrupt CPLANE1 protein function. In summary, the available evidence is currently insufficient to determine the role of this variant in disease. Therefore, it has been classified as a Variant of Uncertain Significance.